The following is an entry in ClinVar:

ClinVar aggregate classification (germline): Uncertain significance. Review status: criteria provided, multiple submitters, no conflicts (2 of 4 stars). 2 submissions from 2 submitters: Uncertain significance (2). Last evaluated 2026-01-01.

Conditions:
Bethlem myopathy 2 (BTHLM2). Identifiers: Orphanet 536516, Orphanet 610, MedGen C4225313, MONDO:0034022, OMIM 616471.
Ullrich congenital muscular dystrophy 2 (UCMD2). Identifiers: Orphanet 75840, MedGen C4225314, MONDO:0014654, OMIM 616470.

Allele frequency attached by ClinVar (database versions not stated): gnomAD exomes below 0.00001; TOPMed below 0.00001; gnomAD 0.00001.
gnomAD v4.1: 4 of 1,613,980 alleles (0.00025%); highest among the groups gnomAD compares: Non-Finnish European, 0.00034%; no homozygotes.

Submissions (2):

CeGaT Center for Human Genetics Tuebingen
Classification: Uncertain significance. Last evaluated: 2026-01-01. Review status: criteria provided, single submitter. Criteria: CeGaT Center For Human Genetics Tuebingen Variant Classification Criteria Version 2. Collection method: clinical testing. Allele origin: germline. Affected: yes. Observed: 1 variant allele.

Labcorp Genetics (formerly Invitae), Labcorp
Classification: Uncertain significance for Bethlem myopathy 2; Ullrich congenital muscular dystrophy 2. Last evaluated: 2019-09-30. Review status: criteria provided, single submitter. Criteria: Invitae Variant Classification Sherloc (09022015). Collection method: clinical testing. Allele origin: germline.
Comment: This sequence change replaces glutamic acid with glutamine at codon 611 of the COL12A1 protein (p.Glu611Gln). The glutamic acid residue is highly conserved and there is a small physicochemical difference between glutamic acid and glutamine. This variant is not present in population databases (ExAC no frequency). In summary, the available evidence is currently insufficient to determine the role of this variant in disease. Therefore, it has been classified as a Variant of Uncertain Significance. Algorithms developed to predict the effect of missense changes on protein structure and function are either unavailable or do not agree on the potential impact of this missense change (SIFT: "Deleterious"; PolyPhen-2: "Probably Damaging"; Align-GVGD: "Class C0"). This variant has not been reported in the literature in individuals with COL12A1-related conditions.

NM_004370.6(COL12A1):c.1831G>C (p.Glu611Gln)

Gene: COL12A1 (collagen type XII alpha 1 chain; minus strand). Cytogenetic location: 6q13.
Variant type: single nucleotide variant.
Coding change: c.1831G>C on transcript NM_004370.6 (MANE Select); coding-DNA position 1831, G replaced by C.
Protein change: p.Glu611Gln; replaces glutamic acid 611 with glutamine.
Molecular consequence: missense variant. On other transcripts: intron variant (1).
Genome position (GRCh38, 1-based): chr6:75,183,110, C>G on the plus strand (G>C on the coding strand, the complement: COL12A1 is on the minus strand). VCF-style: chr6-75183110-C-G. GRCh37 (hg19) VCF-style: chr6-75892826-C-G.
Other names: c.73+19610G>C (NM_080645.3); short protein forms E611Q.
Identifiers: ClinVar variation 966560 (VCV000966560.14), dbSNP rs1478514196, ClinGen allele CA364768521.